The following is an entry in ClinVar:

NM_022124.6(CDH23):c.5499C>T (p.Ser1833=)

Gene: CDH23 (cadherin related 23; plus strand). Cytogenetic location: 10q22.1.
Variant type: single nucleotide variant.
Coding change: c.5499C>T on transcript NM_022124.6 (MANE Select); coding-DNA position 5499, C replaced by T.
Protein change: p.Ser1833=; no amino-acid change (serine 1833 retained).
Molecular consequence: synonymous variant.
Genome position (GRCh38, 1-based): chr10:71,784,417, C>T. VCF-style: chr10-71784417-C-T. GRCh37 (hg19) VCF-style: chr10-73544174-C-T.
Identifiers: ClinVar variation 45981 (VCV000045981.12), dbSNP rs397517339, ClinGen allele CA137491.

ClinVar aggregate classification (germline): Likely benign. Review status: criteria provided, multiple submitters, no conflicts (2 of 4 stars). 2 submissions from 2 submitters: Likely benign (2). Last evaluated 2021-02-19.

Allele frequency attached by ClinVar (database versions not stated): gnomAD exomes below 0.00001; gnomAD 0.00001; TOPMed 0.00001.
gnomAD v4.1: 4 of 1,612,514 alleles (0.00025%); highest among the groups gnomAD compares: Non-Finnish European, 0.00034%; no homozygotes.

Submissions (2):

Labcorp Genetics (formerly Invitae), Labcorp
Classification: Likely benign. Last evaluated: 2021-02-19. Review status: criteria provided, single submitter. Criteria: Invitae Variant Classification Sherloc (09022015). Collection method: clinical testing. Allele origin: germline.

Laboratory for Molecular Medicine, Mass General Brigham Personalized Medicine
Classification: Likely benign. Last evaluated: 2010-09-27. Review status: criteria provided, single submitter. Criteria: LMM Criteria. Collection method: clinical testing. Allele origin: germline. Observed: 1 variant allele.
Comment: Ser1833Ser in exon 42 of CDH23: This variant is not expected to have clinical si gnificance because it does not alter an amino acid residue and is not located ne ar a splice junction.